The following is an entry in ClinVar:

NM_213599.3(ANO5):c.2609T>G (p.Leu870Ter)

Gene: ANO5 (anoctamin 5; plus strand). Cytogenetic location: 11p14.3.
Variant type: single nucleotide variant.
Coding change: c.2609T>G on transcript NM_213599.3 (MANE Select); coding-DNA position 2609, T replaced by G.
Protein change: p.Leu870Ter; replaces leucine 870 with a stop codon.
Molecular consequence: nonsense.
Genome position (GRCh38, 1-based): chr11:22,279,632, T>G. VCF-style: chr11-22279632-T-G. GRCh37 (hg19) VCF-style: chr11-22301178-T-G.
Other names: c.2606T>G, p.Leu869Ter (NM_001142649.2); short protein forms L870*, L869*.
Identifiers: ClinVar variation 966050 (VCV000966050.8), dbSNP rs1855000095, ClinGen allele CA379925039.

ClinVar aggregate classification (germline): Uncertain significance (1 of 4 stars; one submission).

Conditions:
Autosomal recessive limb-girdle muscular dystrophy type 2L (LGMDR12). Also called: Limb-girdle muscular dystrophy, type 2L; MUSCULAR DYSTROPHY, LIMB-GIRDLE, AUTOSOMAL RECESSIVE 12; Limb-Girdle Muscular Dystrophy R12 Anoctamin-5-Related (LGMD-R12). Identifiers: Orphanet 206549, MedGen C1969785, MONDO:0012652, OMIM 611307.
Gnathodiaphyseal dysplasia (GDD). Also called: GNATHODIAPHYSEAL SCLEROSIS; OSTEOGENESIS IMPERFECTA WITH UNUSUAL SKELETAL LESIONS. Identifiers: Orphanet 53697, MedGen C1833736, MONDO:0008151, OMIM 166260.

Submission:

Labcorp Genetics (formerly Invitae), Labcorp
Classification: Uncertain significance for Autosomal recessive limb-girdle muscular dystrophy type 2L; Gnathodiaphyseal dysplasia. Last evaluated: 2020-10-01. Review status: criteria provided, single submitter. Criteria: Invitae Variant Classification Sherloc (09022015). Collection method: clinical testing. Allele origin: germline.
Comment: In summary, the available evidence is currently insufficient to determine the role of this variant in disease. Therefore, it has been classified as a Variant of Uncertain Significance. Experimental studies and prediction algorithms are not available or were not evaluated, and the functional significance of this variant is currently unknown. This variant has not been reported in the literature in individuals with ANO5-related conditions. ClinVar contains an entry for this variant (Variation ID: 966050). This variant is not present in population databases (ExAC no frequency). This sequence change results in a premature translational stop signal in the ANO5 gene (p.Leu870*). While this is not anticipated to result in nonsense mediated decay, it is expected to disrupt the last 44 amino acid(s) of the ANO5 protein.